The following is an entry in ClinVar:

ClinVar aggregate classification (germline): Uncertain significance (1 of 4 stars; one submission).

Conditions:
Thrombophilia due to protein S deficiency, autosomal recessive (THPH6). Identifiers: Orphanet 743, MedGen C3281092, MONDO:0013791, OMIM 614514. Disease mechanism: loss of function.

Submission:

Labcorp Genetics (formerly Invitae), Labcorp
Classification: Uncertain significance for Thrombophilia due to protein S deficiency, autosomal recessive. Last evaluated: 2021-10-28. Review status: criteria provided, single submitter. Criteria: Invitae Variant Classification Sherloc (09022015). Collection method: clinical testing. Allele origin: germline.
Comment: Algorithms developed to predict the effect of sequence changes on RNA splicing suggest that this variant may create or strengthen a splice site. This sequence change replaces leucine, which is neutral and non-polar, with glutamine, which is neutral and polar, at codon 12 of the PROS1 protein (p.Leu12Gln). This variant is not present in population databases (gnomAD no frequency). This variant has not been reported in the literature in individuals affected with PROS1-related conditions. Algorithms developed to predict the effect of missense changes on protein structure and function are either unavailable or do not agree on the potential impact of this missense change (SIFT: "Deleterious"; PolyPhen-2: "Not Available"; Align-GVGD: "Class C0"). In summary, the available evidence is currently insufficient to determine the role of this variant in disease. Therefore, it has been classified as a Variant of Uncertain Significance.

NM_000313.4(PROS1):c.35T>A (p.Leu12Gln)

Gene: PROS1 (protein S; minus strand). Cytogenetic location: 3q11.1.
Variant type: single nucleotide variant.
Coding change: c.35T>A on transcript NM_000313.4 (MANE Select); coding-DNA position 35, T replaced by A.
Protein change: p.Leu12Gln; replaces leucine 12 with glutamine.
Molecular consequence: missense variant.
Genome position (GRCh38, 1-based): chr3:93,973,715, A>T on the plus strand (T>A on the coding strand, the complement: PROS1 is on the minus strand). VCF-style: chr3-93973715-A-T. GRCh37 (hg19) VCF-style: chr3-93692559-A-T.
Other names: c.35T>A, p.Leu12Gln (NM_001314077.2); short protein forms L12Q.
Identifiers: ClinVar variation 1347856 (VCV001347856.6), dbSNP rs1347697005, ClinGen allele CA353674302.